The following is an entry in ClinVar:

NM_207352.4(CYP4V2):c.232_234del (p.Ile78del)

Gene: CYP4V2 (cytochrome P450 family 4 subfamily V member 2; plus strand). Cytogenetic location: 4q35.1.
Variant type: Deletion.
Coding change: c.232_234del on transcript NM_207352.4 (MANE Select); coding-DNA positions 232 to 234, 3 bases deleted (ATT; older notation c.232_234delATT).
Protein change: p.Ile78del; deletes isoleucine 78.
Molecular consequence: inframe deletion.
Genome position (GRCh38, 1-based): chr4:186,194,517-186,194,519, ATT deleted. VCF-style (leftmost placement, unchanged base first): chr4-186194516-CATT-C. GRCh37 (hg19) VCF-style: chr4-187115670-CATT-C.
Other names: short protein forms I78del.
Identifiers: ClinVar variation 2142902 (VCV002142902.5), dbSNP rs1031102027, ClinGen allele CA112120918.

ClinVar aggregate classification (germline): Uncertain significance. Review status: criteria provided, multiple submitters, no conflicts (2 of 4 stars). 2 submissions from 2 submitters: Uncertain significance (2). Last evaluated 2024-06-27.

Allele frequency attached by ClinVar (database versions not stated): TOPMed below 0.00001; gnomAD 0.00001.

Submissions (2):

Blueprint Genetics
Classification: Uncertain significance. Last evaluated: 2024-06-27. Review status: criteria provided, single submitter. Criteria: ACMG Guidelines, 2015. Collection method: clinical testing. Allele origin: germline.

Labcorp Genetics (formerly Invitae), Labcorp
Classification: Uncertain significance. Last evaluated: 2022-11-28. Review status: criteria provided, single submitter. Criteria: Invitae Variant Classification Sherloc (09022015). Collection method: clinical testing. Allele origin: germline.
Comment: This variant is not present in population databases (gnomAD no frequency). This variant, c.232_234del, results in the deletion of 1 amino acid(s) of the CYP4V2 protein (p.Ile78del), but otherwise preserves the integrity of the reading frame. This variant has been observed in individuals with clinical features of retinitis pigmentosa (Invitae). Experimental studies and prediction algorithms are not available or were not evaluated, and the functional significance of this variant is currently unknown. In summary, the available evidence is currently insufficient to determine the role of this variant in disease. Therefore, it has been classified as a Variant of Uncertain Significance.